The following is an entry in ClinVar:

NM_000199.5(SGSH):c.877C>T (p.Pro293Ser)

Gene: SGSH (N-sulfoglucosamine sulfohydrolase; minus strand). Cytogenetic location: 17q25.3.
Variant type: single nucleotide variant.
Coding change: c.877C>T on transcript NM_000199.5 (MANE Select); coding-DNA position 877, C replaced by T.
Protein change: p.Pro293Ser; replaces proline 293 with serine.
Molecular consequence: missense variant. On other transcripts: non-coding transcript variant (1).
Genome position (GRCh38, 1-based): chr17:80,212,143, G>A on the plus strand (C>T on the coding strand, the complement: SGSH is on the minus strand). VCF-style: chr17-80212143-G-A. GRCh37 (hg19) VCF-style: chr17-78185942-G-A.
Other names: NM_000199.3(SGSH):c.877C>T(p.Pro293Ser); c.877C>T, p.Pro293Ser (NM_001352921.3, NM_001352922.2); c.877C>T (NM_000199.4); short protein forms P293S.
Identifiers: ClinVar variation 265258 (VCV000265258.31), dbSNP rs143947056, ClinGen allele CA8817759.

ClinVar aggregate classification (germline): Pathogenic/Likely pathogenic. Review status: criteria provided, multiple submitters, no conflicts (2 of 4 stars). 10 submissions from 10 submitters: Pathogenic (6); Likely pathogenic (3). 1 of the submissions does not count toward it. Last evaluated 2026-01-27.

Conditions:
Inborn genetic diseases. Identifiers: MedGen C0950123, MeSH D030342.
Mucopolysaccharidosis, MPS-III-A (MPS3A). Also called: MUCOPOLYSACCHARIDOSIS, TYPE IIIA, ATTENUATED; Mucopolysaccharidosis type IIIA (Sanfilippo A); mucopolysaccharidosis type 3A; MPS IIIA (Sanfilippo Syndrome Type A); MPS III A; HEPARAN SULFATE SULFATASE DEFICIENCY. Identifiers: Orphanet 581, Orphanet 79269, MedGen C0086647, MONDO:0009655, OMIM 252900.

Allele frequency attached by ClinVar (database versions not stated): gnomAD 0.00004 and 0.00003; TOPMed 0.00003; gnomAD exomes 0.00004; ESP Exome Variant Server 0.00008; ExAC 0.00003.
gnomAD v4.1: 122 of 1,613,496 alleles (0.0076%); highest among the groups gnomAD compares: Non-Finnish European, 0.01%; no homozygotes.

Submissions (10):

Labcorp Genetics (formerly Invitae), Labcorp
Classification: Pathogenic for Mucopolysaccharidosis, MPS-III-A. Last evaluated: 2026-01-27. Review status: criteria provided, single submitter. Criteria: Invitae Variant Classification Sherloc (09022015). Collection method: clinical testing. Allele origin: germline.
Comment: This sequence change replaces proline, which is neutral and non-polar, with serine, which is neutral and polar, at codon 293 of the SGSH protein (p.Pro293Ser). The frequency data for this variant in the population databases is considered unreliable, as metrics indicate poor data quality at this position in the gnomAD database. This missense change has been observed in individual(s) with mucopolysaccharidosis type III (PMID: 12000360, 22976768, 26787381; internal data). ClinVar contains an entry for this variant (Variation ID: 265258). Invitae Evidence Modeling of protein sequence and biophysical properties (such as structural, functional, and spatial information, amino acid conservation, physicochemical variation, residue mobility, and thermodynamic stability) indicates that this missense variant is expected to disrupt SGSH protein function with a positive predictive value of 95%. Experimental studies have shown that this missense change affects SGSH function (PMID: 12000360). For these reasons, this variant has been classified as Pathogenic.

Variantyx, Inc.
Classification: Likely pathogenic for Mucopolysaccharidosis, MPS-III-A. Last evaluated: 2025-07-27. Review status: criteria provided, single submitter. Criteria: Variantyx Assertion Criteria 2022. Collection method: clinical testing. Allele origin: germline. Inheritance: Autosomal recessive inheritance. Affected: no.
Comment: This is a nonsynonymous variant in the SGSH gene (OMIM: 605270). Pathogenic variants in this gene have been associated with autosomal recessive mucopolysaccharidosis type IIIA. This variant has been identified in the homozygous or compound heterozygous state in the at least 2 individuals reported in the published literature (PMID: 26787381) (PM3_Strong). Multiple computational algorithms predict a deleterious effect for this variant (REVEL score: 0.926)., and a functional study has shown that this variant alters SGSH protein function (PMID: 12000360 ) (PS3_Moderate). This variant has a 0.0101% maximum allele frequency in non-founder control populations (PM2). Based on the current evidence, this variant is classified as likely pathogenic for autosomal recessive mucopolysaccharidosis type IIIA.

Natera, Inc.
Classification: Pathogenic for Mucopolysaccharidosis type IIIA. Last evaluated: 2025-07-12. Review status: criteria provided, single submitter. Criteria: Natera Variant Classification Schema (03/2026). Collection method: clinical testing. Allele origin: germline.
Comment: The c.877C>T variant in SGSH is a missense variant predicted to cause substitution of proline to serine at amino acid 293. This variant is rare in the general population with a frequency below the threshold expected for the associated phenotype(s). This variant has been observed in one or more individuals affected with the associated recessive disease, as either homozygous or compound heterozygous with a second variant (PMID: 21204211, 30070758, 34991944). Computational prediction algorithms indicate this variant is likely to affect gene or protein function. Given the available evidence, this variant is classified as Pathogenic.

Fulgent Genetics
Classification: Pathogenic for Mucopolysaccharidosis, MPS-III-A. Last evaluated: 2024-01-23. Review status: criteria provided, single submitter. Criteria: ACMG Guidelines, 2015. Collection method: clinical testing. Allele origin: germline.

GeneDx
Classification: Pathogenic. Last evaluated: 2023-02-01. Review status: criteria provided, single submitter. Criteria: GeneDx Variant Classification Process June 2021. Collection method: clinical testing. Allele origin: germline. Affected: yes.
Comment: Published functional studies demonstrate a damaging effect due to a significant reduction of enzyme activity (Lee-Chen et al., 2002); Not observed at significant frequency in large population cohorts (gnomAD); In silico analysis supports that this missense variant has a deleterious effect on protein structure/function; This variant is associated with the following publications: (PMID: 12000360, 25807448, 24816101, 31589614, 30070758, 29930972, 26787381, 22976768, 34991944)

Women's Health and Genetics/Laboratory Corporation of America, LabCorp
Classification: Pathogenic for Mucopolysaccharidosis, MPS-III-A. Last evaluated: 2022-11-03. Review status: criteria provided, single submitter. Criteria: LabCorp Variant Classification Summary - May 2015. Collection method: clinical testing. Allele origin: germline.
Comment: Variant summary: SGSH c.877C>T (p.Pro293Ser) results in a non-conservative amino acid change located in the Sulfatase, N-terminal (IPR000917) of the encoded protein sequence. Five of five in-silico tools predict a damaging effect of the variant on protein function. The variant allele was found at a frequency of 3.6e-05 in 250522 control chromosomes. c.877C>T has been reported in the literature in multiple individuals affected with Mucopolysaccharidosis Type IIIA/Sanfilippo Syndrome A (Heron_2011, Lee-Chen_2002, Wijburg_2022), and several of these patients were reported as compound heterozygous, carrying a second (likely) pathogenic variant. These data indicate that the variant is very likely to be associated with disease. At least one publication reports experimental evidence evaluating an impact on protein function. The most pronounced variant effect results in <1% of normal activity. Seven clinical diagnostic laboratories have submitted clinical-significance assessments for this variant to ClinVar after 2014 without evidence for independent evaluation. All laboratories classified the variant as pathogenic/likely pathogenic. Based on the evidence outlined above, the variant was classified as pathogenic.

Genome-Nilou Lab
Classification: Likely pathogenic for Mucopolysaccharidosis, MPS-III-A. Last evaluated: 2021-11-07. Review status: criteria provided, single submitter. Criteria: ACMG Guidelines, 2015. Collection method: clinical testing. Allele origin: germline. Affected: no.

Ambry Genetics
Classification: Pathogenic for Inborn genetic diseases. Last evaluated: 2019-12-26. Review status: criteria provided, single submitter. Criteria: Ambry Variant Classification Scheme 2023. Collection method: clinical testing. Allele origin: germline.
Comment: The alteration results in an amino acid change:_x000D_ _x000D_ The c.877C>T (p.P293S) alteration is located in coding exon 7 of the SGSH gene. This alteration results from a C to T substitution at nucleotide position 877, causing the proline (P) at amino acid position 293 to be replaced by a serine (S). The alteration is rare in population databases: _x000D_ _x000D_ Based on data from the Genome Aggregation Database (gnomAD), the c.877C>T alteration was observed in 0.0035% (10/281908) of total alleles studied, with a frequency of 0.014% (1/7200) in the Other subpopulation. The amino acid change has been observed in affected individuals: _x000D_ _x000D_ This alteration has been described, along with a second disease-causing alteration, in multiple patients with a biochemical diagnosis of MPSIIIA (Lee-Chen, 2002; Lin, 2018; Shapiro, 2016).. The altered amino acid is conserved throughout evolution:_x000D_ _x000D_ The p.P293 amino acid is conserved in available vertebrate species. Functional analysis reveals a damaging effect of the amino acid alteration: _x000D_ _x000D_ Functional analysis demonstrated that protein expressing the p.P293S alteration in COS-7 cells had only trace amounts of enzyme activity (0.1% of wildtype) (Lee-Chen, 2002). The alteration is predicted deleterious by in silico modeling:_x000D_ _x000D_ The p.P293S alteration is predicted to be deleterious by in silico analysis. Based on the available evidence, this alteration is classified as pathogenic.

SIB Swiss Institute of Bioinformatics
Classification: Likely pathogenic for Mucopolysaccharidosis, MPS-III-A. Last evaluated: 2018-05-31. Review status: criteria provided, single submitter. Criteria: ACMG Guidelines, 2015. Collection method: curation. Allele origin: unknown.
Comment: This variant is interpreted as a Likely Pathogenic, for Mucopolysaccharidosis type IIIA (Sanfilippo A), in Autosomal Recessive manner. The following ACMG Tag(s) were applied: PM2 => Absent from controls (or at extremely low frequency if recessive) in Exome Sequencing Project, 1000 Genomes Project, or Exome Aggregation Consortium. PP3 => Multiple lines of computational evidence support a deleterious effect on the gene or gene product. PS3 => Well-established functional studies show a deleterious effect (PMID:12000360).

Counsyl
Classification: Likely pathogenic for Mucopolysaccharidosis, MPS-III-A. Last evaluated: 2016-11-12. Review status: no assertion criteria provided. Collection method: clinical testing. Allele origin: unknown. Not counted in ClinVar's aggregate classification.

Literature cited by the submitters: PubMed 12000360 (cited by 6 submitters); PubMed 22976768 (cited by Labcorp Genetics (formerly Invitae), Labcorp and Counsyl); PubMed 26787381 (cited by 4 submitters); PubMed 21204211 (cited by Natera, Inc. and Women's Health and Genetics/Laboratory Corporation of America, LabCorp); PubMed 30070758 (cited by Natera, Inc. and Ambry Genetics); PubMed 34991944 (cited by Natera, Inc. and Women's Health and Genetics/Laboratory Corporation of America, LabCorp).